The following is an entry in ClinVar:

ClinVar aggregate classification (germline): Uncertain significance (1 of 4 stars; one submission).

Submission:

Women's Health and Genetics/Laboratory Corporation of America, LabCorp
Classification: Uncertain significance. Last evaluated: 2025-11-13. Review status: criteria provided, single submitter. Criteria: LabCorp Variant Classification Summary - May 2015. Collection method: clinical testing. Allele origin: germline.
Comment: Variant summary: SETD1A c.2065C>T (p.Arg689Trp) results in a non-conservative amino acid change in the encoded protein sequence. Algorithms developed to predict the effect of missense changes on protein structure and function all suggest that this variant is likely to be disruptive. The variant allele was found at a frequency of 4.1e-06 in 244312 control chromosomes. The available data on variant occurrences in the general population are insufficient to allow any conclusion about variant significance. To our knowledge, no occurrence of c.2065C>T in individuals affected with SETD1A-related conditions and no experimental evidence demonstrating its impact on protein function have been reported. No submitters have cited clinical-significance assessments for this variant to ClinVar. Based on the evidence outlined above, the variant was classified as uncertain significance.

NM_014712.3(SETD1A):c.2065C>T (p.Arg689Trp)

Gene: SETD1A (SET domain containing 1A, histone lysine methyltransferase; plus strand). Cytogenetic location: 16p11.2.
Variant type: single nucleotide variant.
Coding change: c.2065C>T on transcript NM_014712.3 (MANE Select); coding-DNA position 2065, C replaced by T.
Protein change: p.Arg689Trp; replaces arginine 689 with tryptophan.
Molecular consequence: missense variant.
Genome position (GRCh38, 1-based): chr16:30,965,946, C>T. VCF-style: chr16-30965946-C-T. GRCh37 (hg19) VCF-style: chr16-30977267-C-T.
Other names: short protein forms R689W.
Identifiers: ClinVar variation 4536754 (VCV004536754.1).